The following is an entry in ClinVar:

ClinVar aggregate classification (germline): Uncertain significance. Review status: criteria provided, multiple submitters, no conflicts (2 of 4 stars). 16 submissions from 16 submitters: Uncertain significance (15). 1 of the submissions does not count toward it. Last evaluated 2026-05-15.

Conditions:
CFTR-related disorder (CFTR-RD). Also called: CFTR-related disorders; CFTR-related condition. Identifiers: MedGen C5924204, MONDO:7770004.
Bronchiectasis with or without elevated sweat chloride 1 (BESC1). Also called: Cystic Fibrosis-Like Syndrome. Identifiers: Orphanet 60033, MedGen C2749757, MONDO:0008887, OMIM 211400.
Congenital bilateral aplasia of vas deferens from CFTR mutation (CBAVD). Identifiers: Orphanet 48, MedGen C0403814, MONDO:0010178, OMIM 277180. Disease mechanism: loss of function.
Cystic fibrosis (CF). Also called: MUCOVISCIDOSIS. Identifiers: Orphanet 586, MedGen C0010674, MONDO:0009061, OMIM 219700. Disease mechanism: loss of function.
Hereditary pancreatitis (PCTT). Also called: PRSS1-Related Hereditary Pancreatitis; Hereditary chronic pancreatitis. Identifiers: Orphanet 676, MedGen C0238339, MONDO:0008185, OMIM 167800.

Allele frequency attached by ClinVar (database versions not stated): gnomAD 0.00019; gnomAD exomes 0.00019 and 0.00029; ESP Exome Variant Server 0.00023; TOPMed 0.00026; ExAC 0.00038.
gnomAD v4.1: 324 of 1,613,246 alleles (0.02%); highest among the groups gnomAD compares: Middle Eastern, 0.099%; no homozygotes.

Submissions 1 to 8 of 16:

PreventionGenetics, part of Exact Sciences
Classification: Uncertain significance for CFTR-related condition. Last evaluated: 2026-05-15. Review status: criteria provided, single submitter. Criteria: ACMG Guidelines, 2015. Collection method: clinical testing. Allele origin: germline.
Comment: The CFTR c.902A>G variant is predicted to result in the amino acid substitution p.Tyr301Cys. This variant has been reported in individuals with cystic fibrosis, though a second variant was not specified (Křenková et al. 2012. PubMed ID: 23276700; Trujillano et al. 2015. PubMed ID: 26436105). This variant has also been reported along with a pathogenic CFTR variant, p.Phe508del, in a newborn with elevated immunoreactive trypsinogen concentration and a normal sweat chloride test (Castellani et al. 1999. PubMed ID: 9915972); in an individual with asthma, and in at least two individuals undergoing infertility screening (Tzetis et al. 2001. PubMed ID: 11354633; Chamayou et al. 2020. PubMed ID: 32357917; De Paolis et al. 2023. PubMed ID: 37628659). This variant is present in the CFTR2 database but has not been evaluated, and in CFTR France database, this variant has been reported in the heterozygous state in an individual with congenital bilateral absence of vas deferens (CBAVD) and in the compound heterozygous state in two asymptomatic individuals. This variant is reported in 0.42% of alleles in individuals of Ashkenazi Jewish descent in gnomAD and is interpreted by multiple laboratories in ClinVar as uncertain (Variation ID:198738). At this time, the clinical significance of this variant is uncertain due to the absence of conclusive functional and genetic evidence.

Women's Health and Genetics/Laboratory Corporation of America, LabCorp
Classification: Uncertain significance. Last evaluated: 2026-02-02. Review status: criteria provided, single submitter. Criteria: LabCorp Variant Classification Summary - May 2015. Collection method: clinical testing. Allele origin: germline.
Comment: Variant summary: CFTR c.902A>G (p.Tyr301Cys) results in a non-conservative amino acid change in the encoded protein sequence. Algorithms developed to predict the effect of missense changes on protein structure and function all suggest that this variant is likely to be disruptive. The variant allele was found at a frequency of 0.00029 in 251692 control chromosomes. This frequency is not significantly higher than estimated for disease-causing variants in CFTR, allowing no conclusion about variant significance. c.902A>G has been observed in individuals affected with Cystic Fibrosis without strong evidence for causality (e.g. Krenkova_2012, Trujillano_2015, El-Seedy_2016, Salinas_2023, Arik_2025), as well as in settings of newborn screening/in individuals with an inconclusive diagnosis (e.g. Castellani_1999, Scotet_2001, Ooi_2015, Olsowiec-Chlebna_2021), individuals undergoing carrier screening (e.g. Wei_2006, Schwartz_2009, Poulou_2014), and in an infertility cohort (e.g. Chamayou_2020). These reports do not provide unequivocal conclusions about association of the variant with Cystic Fibrosis. At least one publication reports experimental evidence evaluating an impact on protein function. The most pronounced variant effect resulted in approximately 61% of normal chloride channel conductance relative to wild type (Bihler_2024). The following publications have been ascertained in the context of this evaluation (PMID: 38388235, 9921909, 9915972, 11303517, 32357917, 28040058, 23276700, 33836782, 25963003, 24784896, 36409994, 19324992, 11168024, 26436105, 11354633, 16617247, 40955454). ClinVar contains an entry for this variant (Variation ID: 198738). Based on the evidence outlined above, the variant was classified as uncertain significance.

Ambry Genetics
Classification: Uncertain significance for Cystic fibrosis. Last evaluated: 2025-03-19. Review status: criteria provided, single submitter. Criteria: Ambry Variant Classification Scheme 2023. Collection method: clinical testing. Allele origin: germline.
Comment: The p.Y301C variant (also known as c.902A>G), located in coding exon 8 of the CFTR gene, results from an A to G substitution at nucleotide position 902. The tyrosine at codon 301 is replaced by cysteine, an amino acid with highly dissimilar properties. This variant was identified in two newborns with an elevated immunoreactive trypsinogen (IRT) and normal sweat chloride levels, who were also heterozygous for p.F508del (Castellani C et al. Am. J. Hum. Genet., 1999 Jan;64:303-4; Ooi CY et al. Pediatrics, 2015 Jun;135:e1377-85). This variant was detected as heterozygous in a newborn with cystic fibrosis-related metabolic syndrome and in 1/177 CF and CFTR-related patients, but a second CFTR alteration was not detected in these patients (Trujillano D et al. Mol Genet Genomic Med, 2015 Sep;3:396-403; Baaran AE et al. Turk J Med Sci, 2019 Dec;49:1655-1661). In another study, this variant was identified in an individual with cystic fibrosis; however, complete genotype and phenotype information was not provided (Kenkov&aacute; P et al. J. Cyst. Fibros., 2013 Sep;12:532-7). This alteration was also identified in an individual with asthma and an individual with lung cancer (Tzetis M et al. Hum. Genet., 2001 Mar;108:216-21; Bombieri C et al. Hum. Genet., 1998 Dec;103:718-22). This variant was also detected in 1/1279 Sicilian infertile patients who underwent CFTR screening (Chamayou S et al. BMC Med Genet, 2020 May;21:89). This amino acid position is well conserved in available vertebrate species. In addition, this alteration is predicted to be deleterious by in silico analysis. Based on available evidence to date, the clinical significance of this alteration remains unclear.

ARUP Laboratories, Molecular Genetics and Genomics, ARUP Laboratories
Classification: Uncertain significance. Last evaluated: 2024-08-15. Review status: criteria provided, single submitter. Criteria: ARUP Molecular Germline Variant Investigation Process 2024. Collection method: clinical testing. Allele origin: germline.
Comment: The CFTR c.902A>G; p.Tyr301Cys variant (rs150691494, ClinVar Variation ID: 198738) is reported in the literature in individuals with cystic fibrosis or related symptoms (El-Seedy 2016, Krenkova 2013) and in several newborns with hypertrypsinemia or a positive newborn screen but also normal sweat chloride (Castellani 1999, Ooi 2015, Scotet 2001). This variant is found in the Ashkenazi Jewish population with an allele frequency of 0.42% (44/10364 alleles) in the Genome Aggregation Database (v2.1.1). The tyrosine at codon 301 is moderately conserved, and computational analyses predict that this variant is deleterious (REVEL: 0.86). However, given the lack of clinical and functional data, the significance of the p.Tyr301Cys variant is uncertain at this time. References: Castellani C et al. Cystic fibrosis mutations in heterozygous newborns with hypertrypsinemia and low sweat chloride. Am J Hum Genet. 1999 Jan;64(1):303-4. PMID: 9915972. El-Seedy A et al. Cystic Fibrosis Transmembrane Conductance Regulator (CFTR) gene mutations in North Egyptian population: implications for the genetic diagnosis in Egypt. Cell Mol Biol (Noisy-le-grand). 2016 Nov 30;62(13):21-28. PMID: 28040058. Krenkova P et al. Distribution of CFTR mutations in the Czech population: positive impact of integrated clinical and laboratory expertise, detection of novel/de novo alleles and relevance for related/derived populations. J Cyst Fibros. 2013 Sep;12(5):532-7. PMID: 23276700. Ooi CY et al. Inconclusive diagnosis of cystic fibrosis after newborn screening. Pediatrics. 2015 Jun;135(6):e1377-85. PMID: 25963003. Scotet V et al. Prevalence of CFTR mutations in hypertrypsinaemia detected through neonatal screening for cystic fibrosis. Clin Genet. 2001 Jan;59(1):42-7. PMID: 11168024.

Genomic Medicine Center of Excellence, King Faisal Specialist Hospital and Research Centre
Classification: Uncertain significance for Cystic fibrosis. Last evaluated: 2024-03-25. Review status: criteria provided, single submitter. Criteria: ACMG Guidelines, 2015. Collection method: research. Allele origin: germline.

Mayo Clinic Laboratories, Mayo Clinic
Classification: Uncertain significance. Last evaluated: 2023-08-15. Review status: criteria provided, single submitter. Criteria: ACMG Guidelines, 2015. Collection method: clinical testing. Allele origin: germline. Observed: 1 variant allele.
Comment: BP2, PP3

Baylor Genetics
Classification: Uncertain significance for Bronchiectasis with or without elevated sweat chloride 1. Last evaluated: 2023-06-16. Review status: criteria provided, single submitter. Criteria: ACMG Guidelines, 2015. Collection method: clinical testing. Allele origin: unknown.

Department of Pathology and Laboratory Medicine, Sinai Health System
Classification: Uncertain significance for cystic fibrosis. Last evaluated: 2023-03-01. Review status: criteria provided, single submitter. Criteria: ACMG Guidelines, 2015. Collection method: research. Allele origin: germline.

NM_000492.4(CFTR):c.902A>G (p.Tyr301Cys)

Gene: CFTR (CF transmembrane conductance regulator; plus strand). Cytogenetic location: 7q31.2.
Variant type: single nucleotide variant.
Coding change: c.902A>G on transcript NM_000492.4 (MANE Select); coding-DNA position 902, A replaced by G.
Protein change: p.Tyr301Cys; replaces tyrosine 301 with cysteine.
Molecular consequence: missense variant.
Genome position (GRCh38, 1-based): chr7:117,540,132, A>G. VCF-style: chr7-117540132-A-G. GRCh37 (hg19) VCF-style: chr7-117180186-A-G.
Other names: short protein forms Y301C.
Identifiers: ClinVar variation 198738 (VCV000198738.50), dbSNP rs150691494, ClinGen allele CA247544.